The following is an entry in ClinVar:

ClinVar aggregate classification (germline): Uncertain significance (1 of 4 stars; one submission).

Conditions:
NPRL2-related disorder. Also called: NPRL2-related condition.

gnomAD v4.1: 4 of 1,614,096 alleles (0.00025%); highest among the groups gnomAD compares: Non-Finnish European, 0.00034%; no homozygotes.

Submission:

PreventionGenetics, part of Exact Sciences
Classification: Uncertain significance for NPRL2-related condition. Last evaluated: 2025-02-22. Review status: criteria provided, single submitter. Criteria: ACMG Guidelines, 2015. Collection method: clinical testing. Allele origin: germline.
Comment: The NPRL2 c.691G>T variant is predicted to result in the amino acid substitution p.Gly231Cys. To our knowledge, this variant has not been reported in the literature. An alternate nucleotide change at the same amino acid position (p.Gly231Ser) has been reported in the de novo state in an individual with schizophrenia; however, another de novo variant was also reported in this individual in an alternate gene (Xu et al. 2011. PubMed ID: 21822266). This variant is reported in 0.0018% of alleles in individuals of European (Non-Finnish) descent in gnomAD. At this time, the clinical significance of this variant is uncertain due to the absence of conclusive functional and genetic evidence.

NM_006545.5(NPRL2):c.691G>T (p.Gly231Cys)

Gene: NPRL2 (NPR2 like, GATOR1 complex subunit; minus strand). Cytogenetic location: 3p21.31.
Variant type: single nucleotide variant.
Coding change: c.691G>T on transcript NM_006545.5 (MANE Select); coding-DNA position 691, G replaced by T.
Protein change: p.Gly231Cys; replaces glycine 231 with cysteine.
Molecular consequence: missense variant.
Genome position (GRCh38, 1-based): chr3:50,348,556, C>A on the plus strand (G>T on the coding strand, the complement: NPRL2 is on the minus strand). VCF-style: chr3-50348556-C-A. GRCh37 (hg19) VCF-style: chr3-50385987-C-A.
Other names: short protein forms G231C.
Identifiers: ClinVar variation 5001977 (VCV005001977.1).